The following is an entry in ClinVar:

ClinVar aggregate classification (germline): Uncertain significance (1 of 4 stars; one submission).

Conditions:
Hyperaldosteronism, familial, type IV (HALD4). Also called: FH IV; ALDOSTERONISM, PRIMARY, AND HYPERTENSION. Identifiers: Orphanet 642671, MedGen C4310756, MONDO:0014875, OMIM 617027.
Idiopathic generalized epilepsy. Also called: EIG; Generalised epilepsy. Identifiers: MedGen C0270850, MONDO:0005579, OMIM 600669.

Submission:

Labcorp Genetics (formerly Invitae), Labcorp
Classification: Uncertain significance for Idiopathic generalized epilepsy; Hyperaldosteronism, familial, type IV. Last evaluated: 2025-08-03. Review status: criteria provided, single submitter. Criteria: Invitae Variant Classification Sherloc (09022015). Collection method: clinical testing. Allele origin: germline.
Comment: This sequence change falls in intron 31 of the CACNA1H gene. It does not directly change the encoded amino acid sequence of the CACNA1H protein. It affects a nucleotide within the consensus splice site. This variant is not present in population databases (gnomAD no frequency). This variant has not been reported in the literature in individuals affected with CACNA1H-related conditions. Variants that disrupt the consensus splice site are a relatively common cause of aberrant splicing (PMID: 17576681, 9536098). Algorithms developed to predict the effect of sequence changes on RNA splicing suggest that this variant may disrupt the consensus splice site. In summary, the available evidence is currently insufficient to determine the role of this variant in disease. Therefore, it has been classified as a Variant of Uncertain Significance.

Literature cited by the submitters: PubMed 17576681; PubMed 9536098.

NM_021098.3(CACNA1H):c.5324-3C>G

Gene: CACNA1H (calcium voltage-gated channel subunit alpha1 H; plus strand). Cytogenetic location: 16p13.3.
Variant type: single nucleotide variant.
Coding change: c.5324-3C>G on transcript NM_021098.3 (MANE Select); 3 bases into the intron before coding-DNA position 5324, C replaced by G.
Molecular consequence: intron variant.
Genome position (GRCh38, 1-based): chr16:1,217,916, C>G. VCF-style: chr16-1217916-C-G. GRCh37 (hg19) VCF-style: chr16-1267916-C-G.
Other names: c.5306-3C>G (NM_001005407.2).
Identifiers: ClinVar variation 4785765 (VCV004785765.1).